The following is an entry in ClinVar:

ClinVar aggregate classification (germline): Pathogenic (1 of 4 stars; one submission).

Conditions:
Usher syndrome type 1F (USH1F). Also called: USHER SYNDROME, TYPE IF. Identifiers: Orphanet 231169, Orphanet 886, MedGen C1865885, MONDO:0011186, OMIM 602083.

Submission:

Myriad Genetics, Inc.
Classification: Pathogenic for Usher syndrome type 1F. Last evaluated: 2025-04-21. Review status: criteria provided, single submitter. Criteria: Myriad Autosomal Dominant, Autosomal Recessive and X-Linked Classification Criteria (2023). Collection method: clinical testing. Allele origin: unknown.
Comment: NM_033056.3(PCDH15):c.1845delC(F616Sfs*4) is a frameshift variant classified as pathogenic in the context of PCDH15-related disorders. F616Sfs*4 has not been observed in cases with relevant disease. Relevant functional assessments of this variant are not available in the literature. F616Sfs*4 has not been observed in referenced population frequency databases. In summary, NM_033056.3(PCDH15):c.1845delC(F616Sfs*4) is a frameshift variant in a gene where loss of function is a known mechanism of disease and is predicted to disrupt protein function. Please note: this variant was assessed in the context of healthy population screening.

NM_001384140.1(PCDH15):c.1845del (p.Phe616fs)

Gene: PCDH15 (protocadherin related 15; minus strand). Cytogenetic location: 10q21.1.
Variant type: Deletion.
Coding change: c.1845del on transcript NM_001384140.1 (MANE Select); coding-DNA position 1845, one base deleted (C; older notation c.1845delC).
Protein change: p.Phe616fs; shifts the reading frame from phenylalanine 616.
Molecular consequence: frameshift variant. On other transcripts: intron variant (1).
Genome position (GRCh38, 1-based): chr10:54,132,947, G deleted on the plus strand (C on the coding strand, the reverse complement: PCDH15 is on the minus strand). VCF-style (leftmost placement, unchanged base first): chr10-54132946-AG-A. GRCh37 (hg19) VCF-style: chr10-55892706-AG-A.
Other names: c.1779del, p.Phe594fs (NM_001354404.2, NM_001142768.2, NM_001142773.2); c.1866del, p.Phe623fs (NM_001354411.2); c.1845del, p.Phe616fs (NM_001354420.2, NM_001354429.2, NM_001354430.2 and 5 more transcripts); c.1784+20153del (NM_001142765.2); c.1860del, p.Phe621fs (NM_001142763.2, NM_001142771.2); c.1734del, p.Phe579fs (NM_001142767.2); c.1881delC, p.Phe628Serfs (NM_001142769.4); short protein forms F579fs, F594fs, F616fs, F621fs, F623fs, F628fs.
Identifiers: ClinVar variation 4081761 (VCV004081761.1).